The following is an entry in ClinVar:

ClinVar aggregate classification (germline): Benign. Review status: criteria provided, multiple submitters, no conflicts (2 of 4 stars). 3 submissions from 2 submitters: Benign (3). Last evaluated 2018-01-12.

Conditions:
Optic atrophy 3 (OPA3). Also called: OPTIC ATROPHY 3, AUTOSOMAL DOMINANT; Optic atrophy, cataract, and neurologic disorder; Optic atrophy 3 with cataract. Identifiers: Orphanet 67036, MedGen C1833809, MONDO:0008133, OMIM 165300.
3-Methylglutaconic aciduria type 3 (MGCA3). Also called: OPA3, AUTOSOMAL RECESSIVE; OPTIC ATROPHY 3, AUTOSOMAL RECESSIVE; Costeff Syndrome; OPA3-Related 3-Methylglutaconic Aciduria. Identifiers: Orphanet 67047, MedGen C0574084, MONDO:0009787, OMIM 258501.

Allele frequency attached by ClinVar (database versions not stated): gnomAD exomes 0.05318; gnomAD 0.13908 and 0.14179; TOPMed 0.15496; 1000 Genomes Project 0.22943; 1000 Genomes Project 30x 0.23126.
gnomAD v4.1: 40,563 of 502,628 alleles (8.1%); highest among the groups gnomAD compares: African/African-American, 28%; 3,146 homozygotes.

Submissions (3):

Illumina Laboratory Services, Illumina
Classification: Benign for Optic atrophy 3. Last evaluated: 2018-01-12. Review status: criteria provided, single submitter. Criteria: ICSL Variant Classification Criteria 13 December 2019. Collection method: clinical testing. Allele origin: germline.
Comment: This variant was observed in the ICSL laboratory as part of a predisposition screen in an ostensibly healthy population. It had not been previously curated by ICSL or reported in the Human Gene Mutation Database (HGMD: prior to June 1st, 2018), and was therefore a candidate for classification through an automated scoring system. Utilizing variant allele frequency, disease prevalence and penetrance estimates, and inheritance mode, an automated score was calculated to assess if this variant is too frequent to cause the disease. Based on the score and internal cut-off values, a variant classified as benign is not then subjected to further curation. The score for this variant resulted in a classification of benign for this disease.

Illumina Laboratory Services, Illumina
Classification: Benign for 3-Methylglutaconic aciduria type 3. Last evaluated: 2018-01-12. Review status: criteria provided, single submitter. Criteria: ICSL Variant Classification Criteria 13 December 2019. Collection method: clinical testing. Allele origin: germline.
Comment: the same text as in the submission from Illumina Laboratory Services, Illumina above.

Breakthrough Genomics
Classification: Benign. Review status: criteria provided, single submitter. Criteria: ACMG Guidelines, 2015. Collection method: not provided. Allele origin: germline. Inheritance: Autosomal recessive inheritance. Affected: yes.

NM_025136.4(OPA3):c.*5523G>A

Genes: OPA3 (outer mitochondrial membrane lipid metabolism regulator OPA3; minus strand), OPA3-RTN2 (OPA3-RTN2 readthrough; minus strand). Cytogenetic location: 19q13.32.
Variant type: single nucleotide variant.
Coding change: c.*5523G>A on transcript NM_025136.4 (MANE Select); 5523 bases downstream of the stop codon, G replaced by A.
Molecular consequence: 3 prime UTR variant. On other transcripts: intron variant (1).
Genome position (GRCh38, 1-based): chr19:45,547,991, C>T on the plus strand (G>A on the coding strand, the complement: OPA3 is on the minus strand). VCF-style: chr19-45547991-C-T. GRCh37 (hg19) VCF-style: chr19-46051249-C-T.
Other names: c.143-18535G>A (NM_001017989.3).
Identifiers: ClinVar variation 329585 (VCV000329585.6), dbSNP rs57585727, ClinGen allele CA10648853.